The following continues an entry in ClinVar:

NM_000051.4(ATM):c.1810C>T (p.Pro604Ser)

Gene: ATM. ClinVar aggregate classification (germline): Benign. Benign (1).

Submissions 17 to 38 of 41:

Spanish ATM Cancer Susceptibility Variant Interpretation Working Group
Classification: Benign for Hereditary cancer-predisposing syndrome. Last evaluated: 2020-06-17. Review status: criteria provided, single submitter. Criteria: Feliubadaló L et al. (Clin Chem 2021). Collection method: clinical testing. Allele origin: germline. Affected: yes and no. Observed: 46 heterozygotes, 2 homozygotes. Clinical features observed: Breast carcinoma, Ovarian cancer, No cancer, Thymus cancer, Stomach GIST, Gastrointestinal stromal tumor of small intestine, Bilateral Breast carcinoma, Infiltrating duct carcinoma of breast, Colorectal cancer, Neoplasm of stomach, Bilateral breast cancer, Ovarian serous tumor, and 16 more. Not counted in ClinVar's aggregate classification.
Comment: The c.1810C>T (p.Pro604Ser) missense variant has an allele frequency of 0.32%, (895/281,544 alleles) in the gnomAD v2.1.1 non-cancer dataset, with a maximal frequency of 0.65%, (153/23,556 alleles) in the African subpopulation (BA1). Adapted ACMG/AMP rules applied as defined by the Spanish ATM working group: BA1 (+BS2_Supporting) (PMID: 33280026).

Sema4
Classification: Benign for Hereditary cancer-predisposing syndrome. Last evaluated: 2020-06-10. Review status: criteria provided, single submitter. Criteria: Sema4 Curation Guidelines. Collection method: curation. Allele origin: germline. Not counted in ClinVar's aggregate classification.

Dubai Health Genomic Medicine Center, Dubai Health
Classification: Benign. Last evaluated: 2020-01-06. Review status: criteria provided, single submitter. Criteria: ACMG Guidelines, 2015. Collection method: clinical testing. Allele origin: germline. Affected: yes. Not counted in ClinVar's aggregate classification.

Ambry Genetics
Classification: Benign for Hereditary cancer-predisposing syndrome. Last evaluated: 2019-05-07. Review status: criteria provided, single submitter. Criteria: Ambry Variant Classification Scheme 2023. Collection method: clinical testing. Allele origin: germline. Not counted in ClinVar's aggregate classification.

CHEO Genetics Diagnostic Laboratory, Children's Hospital of Eastern Ontario
Classification: Benign for Breast and/or ovarian cancer. Last evaluated: 2019-05-07. Review status: criteria provided, single submitter. Criteria: ACMG Guidelines, 2015. Collection method: clinical testing. Allele origin: germline. Not counted in ClinVar's aggregate classification.

Genetic Services Laboratory, University of Chicago
Classification: Benign. Last evaluated: 2018-12-14. Review status: criteria provided, single submitter. Criteria: ACMG Guidelines, 2015. Collection method: clinical testing. Allele origin: germline. Affected: no. Not counted in ClinVar's aggregate classification.

Centre for Mendelian Genomics, University Medical Centre Ljubljana
Classification: Benign for Familial cancer of breast. Last evaluated: 2018-11-08. Review status: criteria provided, single submitter. Criteria: ACMG Guidelines, 2015. Collection method: clinical testing. Allele origin: unknown. Affected: yes. Not counted in ClinVar's aggregate classification.
Comment: This variant was classified as: Benign. The following ACMG criteria were applied in classifying this variant: BS1,BS2.

Mendelics
Classification: Likely benign for Ataxia-telangiectasia syndrome. Last evaluated: 2018-07-02. Review status: criteria provided, single submitter. Criteria: Mendelics Assertion Criteria 2017. Collection method: clinical testing. Allele origin: unknown. Not counted in ClinVar's aggregate classification.

Illumina Laboratory Services, Illumina
Classification: Uncertain significance for Ataxia-telangiectasia syndrome. Last evaluated: 2018-01-12. Review status: criteria provided, single submitter. Criteria: ICSL Variant Classification Criteria 13 December 2019. Collection method: clinical testing. Allele origin: germline. Not counted in ClinVar's aggregate classification.

GeneDx
Classification: Benign. Last evaluated: 2017-05-26. Review status: criteria provided, single submitter. Criteria: GeneDx Variant Classification (06012015). Collection method: clinical testing. Allele origin: germline. Affected: yes. Not counted in ClinVar's aggregate classification.
Comment: This variant is considered likely benign or benign based on one or more of the following criteria: it is a conservative change, it occurs at a poorly conserved position in the protein, it is predicted to be benign by multiple in silico algorithms, and/or has population frequency not consistent with disease.

Clinical Genetics DNA and cytogenetics Diagnostics Lab, Erasmus MC, Erasmus Medical Center
Classification: Uncertain significance for Ataxia-telangiectasia syndrome. Last evaluated: 2016-06-28. Review status: criteria provided, single submitter. Criteria: ACGS Guidelines, 2013. Collection method: clinical testing. Allele origin: germline. Affected: yes. Study: VKGL Data-share Consensus. Not counted in ClinVar's aggregate classification.

Women's Health and Genetics/Laboratory Corporation of America, LabCorp
Classification: Benign. Last evaluated: 2016-05-09. Review status: criteria provided, single submitter. Criteria: LabCorp Variant Classification Summary - May 2015. Collection method: clinical testing. Allele origin: germline. Not counted in ClinVar's aggregate classification.
Comment: Variant summary: The ATM variant, c.1810C>T (p.Pro604Ser) causes a missense change involving a conserved nucleotide with 2/4 in silico programs (SNPs&GO not captured here due to low reliability index) predict a "benign" outcome, although these predictions have yet to be functionally assessed. The variant of interest was observed in the large, broad control population, ExAC, with an allele frequency of 345/111640 (1/323 including 5 homozygotes), which significantly exceeds the estimated maximum expected allele frequency for a pathogenic ATM variant of 1/2000 for Breast Cancer. Therefore, suggesting the variant is a common polymorphism. The variant of interest has been reported in multiple affected individuals via publications with varying phenotypes (BrC, Lynch syndrome, B-CLL, PrC, lymphoma, Hodgkin's disease), including one individual dx with A-T that harbored this variant and another ATM variant, c.6482G>C (p.Arg2161Pro - not yet scored) and was indicated to have absent ATM protein. Two internal LCA samples (adult patients with unknown phenotypes) carried c.1810C>T variant with another pathogenic variants: 1 with a BRIP1 variant, c.440dupA (Tyr147X - classified likely pathogenic) and 1 with an ATM variant, c.1027_1030delGAAA (p.Glu343fsX2 - classified pathogenic). In addition, multiple reputable clinical laboratories cite the variant with a classification of "likely benign/benign." Therefore, taking all available information into consideration for the phenotype of Breast Cancer, the variant of interest is classified as Benign.

Eurofins Ntd Llc (ga)
Classification: Likely benign. Last evaluated: 2015-09-15. Review status: criteria provided, single submitter. Criteria: EGL Classification Definitions 2015. Collection method: clinical testing. Allele origin: germline. Observed: 2 variant alleles, 2 heterozygotes. Not counted in ClinVar's aggregate classification.

Genome Diagnostics Laboratory, University Medical Center Utrecht
Classification: Likely benign for Ataxia-telangiectasia syndrome. Last evaluated: 2015-06-16. Review status: criteria provided, single submitter. Criteria: ACGS Guidelines, 2013. Collection method: clinical testing. Allele origin: germline. Affected: yes. Study: VKGL Data-share Consensus. Not counted in ClinVar's aggregate classification.

Institute for Biomarker Research, Medical Diagnostic Laboratories, L.L.C.
Classification: Benign for Hereditary cancer-predisposing syndrome. Last evaluated: 2021-09-15. Review status: no assertion criteria provided. Collection method: clinical testing. Allele origin: germline. Not counted in ClinVar's aggregate classification.

Natera, Inc.
Classification: Benign for Ataxia-telangiectasia. Last evaluated: 2020-04-16. Review status: no assertion criteria provided. Collection method: clinical testing. Allele origin: germline. Not counted in ClinVar's aggregate classification.

PreventionGenetics, part of Exact Sciences
Classification: Benign for ATM-related condition. Last evaluated: 2019-05-20. Review status: no assertion criteria provided. Collection method: clinical testing. Allele origin: germline. Not counted in ClinVar's aggregate classification.
Comment: This variant is classified as benign based on ACMG/AMP sequence variant interpretation guidelines (Richards et al. 2015 PMID: 25741868, with internal and published modifications).

Genome Diagnostics Laboratory, Amsterdam University Medical Center
Classification: Likely benign for Ataxia-telangiectasia syndrome. Last evaluated: 2016-07-11. Review status: no assertion criteria provided. Criteria: ACGS Guidelines, 2013. Collection method: clinical testing. Allele origin: germline. Affected: yes. Study: VKGL Data-share Consensus. Not counted in ClinVar's aggregate classification.

ITMI
No classification provided. Condition: AllHighlyPenetrant. Last evaluated: 2013-09-19. Review status: no classification provided. Collection method: reference population. Allele origin: germline. Not counted in ClinVar's aggregate classification.
Comment: Please see associated publication for description of ethnicities

Clinical Genetics DNA and cytogenetics Diagnostics Lab, Erasmus MC, Erasmus Medical Center
Classification: Likely benign. Review status: no assertion criteria provided. Collection method: clinical testing. Allele origin: germline. Affected: yes. Study: VKGL Data-share Consensus. Not counted in ClinVar's aggregate classification.

Clinical Genetics Laboratory, Department of Pathology, Netherlands Cancer Institute
Classification: Likely benign. Review status: no assertion criteria provided. Collection method: clinical testing. Allele origin: germline. Affected: yes. Study: VKGL Data-share Consensus. Not counted in ClinVar's aggregate classification.

Clinical Genetics, Academic Medical Center
Classification: Benign. Review status: no assertion criteria provided. Collection method: clinical testing. Allele origin: germline. Affected: yes. Study: VKGL Data-share Consensus. Not counted in ClinVar's aggregate classification.